The following is an entry in ClinVar:

ClinVar aggregate classification (germline): Likely pathogenic (1 of 4 stars; one submission).

Conditions:
Autosomal recessive limb-girdle muscular dystrophy type 2J (LGMDR10). Also called: Limb-girdle muscular dystrophy, type 2J; MUSCULAR DYSTROPHY, LIMB-GIRDLE, AUTOSOMAL RECESSIVE 10. Identifiers: Orphanet 140922, MedGen C1837342, MONDO:0012127, OMIM 608807.
Dilated cardiomyopathy 1G (CMD1G). Identifiers: Orphanet 154, MedGen C1858763, MONDO:0011400, OMIM 604145.

Submission:

Labcorp Genetics (formerly Invitae), Labcorp
Classification: Likely pathogenic for Dilated cardiomyopathy 1G; Autosomal recessive limb-girdle muscular dystrophy type 2J. Last evaluated: 2024-03-05. Review status: criteria provided, single submitter. Criteria: Invitae Variant Classification Sherloc (09022015). Collection method: clinical testing. Allele origin: germline.
Comment: This sequence change creates a premature translational stop signal (p.Glu913*) in the TTN gene. While this is not anticipated to result in nonsense mediated decay, it is expected to create a truncated TTN protein. This variant is not present in population databases (gnomAD no frequency). This variant has not been reported in the literature in individuals affected with TTN-related conditions. This variant is located in the Z band of TTN (PMID: 25589632). Truncating variants in this region have been reported in individuals affected with autosomal recessive centronuclear myopathy (PMID: 33449170, Invitae internal data). Truncating variants in this region have also been identified in individuals affected with autosomal dominant dilated cardiomyopathy and/or cardio-related conditions (PMID: 27869827, 32964742, Invitae internal data). In summary, the currently available evidence indicates that the variant is pathogenic, but additional data are needed to prove that conclusively. Therefore, this variant has been classified as Likely Pathogenic.

Literature cited by the submitters: PubMed 25589632; PubMed 33449170; PubMed 27869827; PubMed 32964742.

NM_001267550.2(TTN):c.2737G>T (p.Glu913Ter)

Gene: TTN (titin; minus strand). Cytogenetic location: 2q31.2.
Variant type: single nucleotide variant.
Coding change: c.2737G>T on transcript NM_001267550.2 (MANE Select); coding-DNA position 2737, G replaced by T.
Protein change: p.Glu913Ter; replaces glutamic acid 913 with a stop codon.
Molecular consequence: nonsense.
Genome position (GRCh38, 1-based): chr2:178,784,108, C>A on the plus strand (G>T on the coding strand, the complement: TTN is on the minus strand). VCF-style: chr2-178784108-C-A. GRCh37 (hg19) VCF-style: chr2-179648835-C-A.
Other names: c.2737G>T, p.Glu913Ter (NM_001256850.1, NM_133378.4, NM_133379.5); c.2599G>T, p.Glu867Ter (NM_003319.4, NM_133432.3, NM_133437.4); short protein forms E867*, E913*.
Identifiers: ClinVar variation 3754982 (VCV003754982.2).
Genomic context (GRCh38, chr2:178,784,108, plus strand): 5'-CAGCGGGTAACCAGTGACCAACCTTGGCTTCGCGTCCGTGCAGTACTTCAAAGCGCTCTT[C>A]ACGGACGGTGGTGCCAGTGATGCTCACCCCTACTTCCTTTTTCACCTCAACGCCAGCTTC-3'